The following is an entry in ClinVar:

ClinVar aggregate classification (germline): Uncertain significance (1 of 4 stars; one submission).

Submission:

GeneDx
Classification: Uncertain significance. Last evaluated: 2024-10-29. Review status: criteria provided, single submitter. Criteria: GeneDx Variant Classification Process June 2021. Collection method: clinical testing. Allele origin: germline. Affected: yes.
Comment: Not observed at significant frequency in large population cohorts (gnomAD); Has not been previously published as pathogenic or benign to our knowledge; Frameshift variant predicted to result in abnormal protein length as the last 208 amino acid(s) are replaced with 49 different amino acid(s) with an unclear effect on protein function

NM_014975.3(MAST1):c.4088del (p.Pro1363fs)

Gene: MAST1 (microtubule associated serine/threonine kinase 1; plus strand). Cytogenetic location: 19p13.13.
Variant type: Deletion.
Coding change: c.4088del on transcript NM_014975.3 (MANE Select); coding-DNA position 4088, one base deleted (C; older notation c.4088delC).
Protein change: p.Pro1363fs; shifts the reading frame from proline 1363.
Molecular consequence: frameshift variant.
Genome position (GRCh38, 1-based): chr19:12,874,245, C deleted; the last of 4 consecutive C bases (chr19:12,874,242-12,874,245); deleting any one gives the same sequence. VCF-style (leftmost placement, unchanged base first): chr19-12874241-TC-T. GRCh37 (hg19) VCF-style: chr19-12985055-TC-T.
Other names: short protein forms P1363fs.
Identifiers: ClinVar variation 3897264 (VCV003897264.1).